The following is an entry in ClinVar:

ClinVar aggregate classification (germline): Likely pathogenic (1 of 4 stars; one submission).

Conditions:
Hypotrichosis 7 (HYPT7). Also called: HYPOTRICHOSIS, AUTOSOMAL RECESSIVE; HYPOTRICHOSIS, LOCALIZED, AUTOSOMAL RECESSIVE 2. Identifiers: Orphanet 55654, MedGen C1836672, MONDO:0011452, OMIM 604379.

Submission:

3billion
Classification: Likely pathogenic for Hypotrichosis 7. Last evaluated: 2023-10-31. Review status: criteria provided, single submitter. Criteria: ACMG Guidelines, 2015. Collection method: clinical testing. Allele origin: germline. Affected: yes.
Comment: The variant is observed at an extremely low frequency in the gnomAD v2.1.1 dataset (total allele frequency: 0.009%). In silico tool predictions suggest damaging effect of the variant on gene or gene product [REVEL: 0.92 (>=0.6, sensitivity 0.68 and specificity 0.92); 3Cnet: 0.96 (>=0.6, sensitivity 0.72 and precision 0.9)]. Same nucleotide change resulting in same amino acid change has been previously reported to be associated with LIPH-related disorder (ClinVar ID: VCV000030669 / PMID: 19892526). The variant has been reported to be in trans with a pathogenic variant as either compound heterozygous or homozygous in at least one similarly affected unrelated individual (PMID: 19892526). Therefore, the variant is classified as likely pathogenic according to the recommendation of ACMG/AMP guideline.

NM_139248.3(LIPH):c.686delinsGTAGAACCCAACCTGGCT (p.Asp229fs)

Gene: LIPH (lipase H; minus strand). Cytogenetic location: 3q27.2.
Variant type: Indel.
Coding change: c.686delinsGTAGAACCCAACCTGGCT on transcript NM_139248.3 (MANE Select); coding-DNA position 686, A replaced by GTAGAACCCAACCTGGCT.
Protein change: p.Asp229fs; shifts the reading frame from aspartic acid 229.
Molecular consequence: frameshift variant.
Genome position (GRCh38, 1-based): chr3:185,524,103, T replaced by AGCCAGGTTGGGTTCTAC on the plus strand (A replaced by GTAGAACCCAACCTGGCT on the coding strand, the reverse complement: LIPH is on the minus strand). VCF-style: chr3-185524103-T-AGCCAGGTTGGGTTCTAC. GRCh37 (hg19) VCF-style: chr3-185241891-T-AGCCAGGTTGGGTTCTAC.
Other names: short protein forms D229fs.
Identifiers: ClinVar variation 3775180 (VCV003775180.1).
Genomic context (GRCh38, chr3:185,524,103, plus strand): 5'-CACTATTTTACAAAATATAAAGGCTTACCTCCCAATATTGTTTTGGGGCAGCCAGGTTGA[T>AGCCAGGTTGGGTTCTAC]CCAATCCTCCATTTGGGTAGAAGTCTATGTTTCCTAATGGCTCCTTGTAGCCCAGTGCTA-3'